The following is an entry in ClinVar:

ClinVar aggregate classification (germline): Uncertain significance (1 of 4 stars; one submission).

Conditions:
Mitochondrial hypertrophic cardiomyopathy with lactic acidosis due to MTO1 deficiency. Also called: CARDIOMYOPATHY, INFANTILE HYPERTROPHIC MITOCHONDRIAL, AND LACTIC ACIDOSIS; Combined oxidative phosphorylation deficiency 10. Identifiers: Orphanet 314637, MedGen C4749921, MONDO:0013865, OMIM 614702.

Submission:

Labcorp Genetics (formerly Invitae), Labcorp
Classification: Uncertain significance for Mitochondrial hypertrophic cardiomyopathy with lactic acidosis due to MTO1 deficiency. Last evaluated: 2020-10-09. Review status: criteria provided, single submitter. Criteria: Invitae Variant Classification Sherloc (09022015). Collection method: clinical testing. Allele origin: germline.
Comment: This sequence change replaces glutamine with proline at codon 597 of the MTO1 protein (p.Gln597Pro). The glutamine residue is moderately conserved and there is a moderate physicochemical difference between glutamine and proline. This variant is not present in population databases (ExAC no frequency). This variant has not been reported in the literature in individuals with MTO1-related conditions. Algorithms developed to predict the effect of missense changes on protein structure and function are either unavailable or do not agree on the potential impact of this missense change (SIFT: "Tolerated"; PolyPhen-2: "Possibly Damaging"; Align-GVGD: "Class C0"). Algorithms developed to predict the effect of sequence changes on RNA splicing suggest that this variant may create or strengthen a splice site, but this prediction has not been confirmed by published transcriptional studies. In summary, the available evidence is currently insufficient to determine the role of this variant in disease. Therefore, it has been classified as a Variant of Uncertain Significance.

NM_012123.4(MTO1):c.1790A>C (p.Gln597Pro)

Gene: MTO1 (mitochondrial tRNA translation optimization 1; plus strand). Cytogenetic location: 6q13.
Variant type: single nucleotide variant.
Coding change: c.1790A>C on transcript NM_012123.4 (MANE Select); coding-DNA position 1790, A replaced by C.
Protein change: p.Gln597Pro; replaces glutamine 597 with proline.
Molecular consequence: missense variant.
Genome position (GRCh38, 1-based): chr6:73,497,769, A>C. VCF-style: chr6-73497769-A-C. GRCh37 (hg19) VCF-style: chr6-74207492-A-C.
Other names: c.1910A>C, p.Gln637Pro (NM_001123226.2); c.1865A>C, p.Gln622Pro (NM_133645.3); short protein forms Q597P, Q622P, Q637P.
Identifiers: ClinVar variation 1061859 (VCV001061859.9), dbSNP rs2150044958, ClinGen allele CA364700822.
Genomic context (GRCh38, chr6:73,497,769, plus strand): 5'-TAACATGATTCTGATTTTGTTGACCAGCCACTTATGAATCAGTGTTGTTCCATCAACTAC[A>C]AGAAATAAAGGGAGTTCAGCAAGATGAAGCTCTCCAACTGCCAAAAGACCTAGATTATTT-3'
Protein context (NP_036255.2, residues 587-607): TYESVLFHQL[Gln597Pro]EIKGVQQDEA